The following is an entry in ClinVar:

NM_001375524.1(TRRAP):c.11357C>T (p.Thr3786Met)

Gene: TRRAP (transformation/transcription domain associated protein; plus strand). Cytogenetic location: 7q22.1.
Variant type: single nucleotide variant.
Coding change: c.11357C>T on transcript NM_001375524.1 (MANE Select); coding-DNA position 11357, C replaced by T.
Protein change: p.Thr3786Met; replaces threonine 3786 with methionine.
Molecular consequence: missense variant.
Genome position (GRCh38, 1-based): chr7:99,012,090, C>T. VCF-style: chr7-99012090-C-T. GRCh37 (hg19) VCF-style: chr7-98609713-C-T.
Other names: c.11315C>T, p.Thr3772Met (NM_001244580.2); c.11228C>T, p.Thr3743Met (NM_003496.4); short protein forms T3743M, T3786M, T3772M.
Identifiers: ClinVar variation 1997115 (VCV001997115.4), dbSNP rs944366448, ClinGen allele CA163093681.

ClinVar aggregate classification (germline): Uncertain significance (1 of 4 stars; one submission).

Allele frequency attached by ClinVar (database versions not stated): TOPMed below 0.00001.
gnomAD v4.1: 1 of 1,613,690 alleles (0.000062%); highest among the groups gnomAD compares: Admixed American, 0.0017%; no homozygotes.

Submission:

Labcorp Genetics (formerly Invitae), Labcorp
Classification: Uncertain significance. Last evaluated: 2023-05-22. Review status: criteria provided, single submitter. Criteria: Invitae Variant Classification Sherloc (09022015). Collection method: clinical testing. Allele origin: germline.
Comment: In summary, the available evidence is currently insufficient to determine the role of this variant in disease. Therefore, it has been classified as a Variant of Uncertain Significance. Advanced modeling of protein sequence and biophysical properties (such as structural, functional, and spatial information, amino acid conservation, physicochemical variation, residue mobility, and thermodynamic stability) performed at Invitae indicates that this missense variant is not expected to disrupt TRRAP protein function. ClinVar contains an entry for this variant (Variation ID: 1997115). This variant has not been reported in the literature in individuals affected with TRRAP-related conditions. This variant is not present in population databases (gnomAD no frequency). This sequence change replaces threonine, which is neutral and polar, with methionine, which is neutral and non-polar, at codon 3743 of the TRRAP protein (p.Thr3743Met).